The following is an entry in ClinVar:

ClinVar aggregate classification (germline): Likely benign (1 of 4 stars; one submission).

Submission:

CeGaT Center for Human Genetics Tuebingen
Classification: Likely benign. Last evaluated: 2024-10-01. Review status: criteria provided, single submitter. Criteria: CeGaT Center For Human Genetics Tuebingen Variant Classification Criteria Version 2. Collection method: clinical testing. Allele origin: germline. Affected: yes. Observed: 1 variant allele.
Comment: FAM86C1P: BP4, BP7

NC_000011.10:g.71787569C>A

Gene: FAM86C1P (family with sequence similarity 86 member C1, pseudogene; plus strand). Cytogenetic location: 11q13.4.
Variant type: single nucleotide variant.
Genome position: GRCh38 VCF-style: chr11-71787569-C-A. GRCh37 (hg19) VCF-style: chr11-71498615-C-A.
Identifiers: ClinVar variation 3388304 (VCV003388304.14).
Genomic context (GRCh38, chr11:71,787,569, plus strand): 5'-CCGGCAAGGCTGAGGCCCCGCCCCCGTCATGGCGCCCGAGGAGAACGCGGGGAGCGAACT[C>A]TTGCTGCAGAGTTTCAAGCGCCGCTTCCTGGCAGCGCGCGCCCTGCGCTCCTTCCGCTGG-3'